The following is an entry in ClinVar:

ClinVar aggregate classification (germline): Likely pathogenic (1 of 4 stars; one submission).

Conditions:
Ataxia-telangiectasia syndrome (AT). Also called: ATAXIA-TELANGIECTASIA, COMPLEMENTATION GROUP A; ATAXIA-TELANGIECTASIA, FRESNO VARIANT; LOUIS-BAR SYNDROME; Cerebello-oculocutaneous telangiectasia; Immunodeficiency with ataxia telangiectasia; Ataxia-telangiectasia, complementation group E. Identifiers: Orphanet 100, MedGen C0004135, MONDO:0008840, OMIM 208900.

Submission:

Labcorp Genetics (formerly Invitae), Labcorp
Classification: Likely pathogenic for Ataxia-telangiectasia syndrome. Last evaluated: 2024-01-28. Review status: criteria provided, single submitter. Criteria: Invitae Variant Classification Sherloc (09022015). Collection method: clinical testing. Allele origin: germline.
Comment: This variant results in the deletion of part of exon 30 (c.4604_4611+9del) of the ATM gene. It is expected to disrupt RNA splicing. Variants that disrupt the donor or acceptor splice site typically lead to a loss of protein function (PMID: 16199547), and loss-of-function variants in ATM are known to be pathogenic (PMID: 23807571, 25614872). This variant is not present in population databases (gnomAD no frequency). This variant has not been reported in the literature in individuals affected with ATM-related conditions. In summary, the currently available evidence indicates that the variant is pathogenic, but additional data are needed to prove that conclusively. Therefore, this variant has been classified as Likely Pathogenic.

Literature cited by the submitters: PubMed 16199547; PubMed 23807571; PubMed 25614872.

NM_000051.4(ATM):c.4604_4611+9del

Gene: ATM (ATM serine/threonine kinase; plus strand). Cytogenetic location: 11q22.3.
Variant type: Deletion.
Coding change: c.4604_4611+9del on transcript NM_000051.4 (MANE Select); coding-DNA position 4604 through 9 bases into the intron after coding-DNA position 4611, 17 bases deleted (AGAAACAGGTAATTTTC).
Molecular consequence: splice donor variant.
Genome position (GRCh38, 1-based): chr11:108,292,786-108,292,802, AGAAACAGGTAATTTTC deleted; deleting any 17 consecutive bases within chr11:108,292,783-108,292,802 gives the same sequence; the c. name uses the placement nearest the transcript's 3' end. VCF-style (leftmost placement, unchanged base first): chr11-108292782-GTTCAGAAACAGGTAATT-G. GRCh37 (hg19) VCF-style: chr11-108163509-GTTCAGAAACAGGTAATT-G.
Other names: c.4604_4611+9del (NM_001351834.2).
Identifiers: ClinVar variation 3637303 (VCV003637303.2).